The following is an entry in ClinVar:

ClinVar aggregate classification (germline): Conflicting classifications of pathogenicity. Review status: criteria provided, conflicting classifications (1 of 4 stars). 4 submissions from 4 submitters: Pathogenic (1); Uncertain significance (3). Last evaluated 2026-02-25.

Conditions:
GFPT1-related myopathy with protein aggregates and rimmed vacuoles.
Congenital myasthenic syndrome 12 (CMS12). Also called: MYASTHENIC SYNDROME, CONGENITAL, WITH TUBULAR AGGREGATES 1; Myasthenia, congenital, 12, with tubular aggregates. Identifiers: Orphanet 353327, Orphanet 590, MedGen C3552335, MONDO:0012518, OMIM 610542.
Inborn genetic diseases. Identifiers: MedGen C0950123, MeSH D030342.

Submissions (4):

GeneDx
Classification: Uncertain significance. Last evaluated: 2026-02-25. Review status: criteria provided, single submitter. Criteria: GeneDx Variant Classification Process June 2021. Collection method: clinical testing. Allele origin: germline.
Comment: Reported with a second variant in GFPT1 in a patient with a congenital myopathy in published literature (PMID: 38982518); Not observed at significant frequency in large population cohorts (gnomAD); In silico analysis supports that this missense variant has a deleterious effect on protein structure/function; Missense variants in this gene are a common cause of disease and they are underrepresented in the general population; This variant is associated with the following publications: (PMID: 23569079, 38982518)

Muscle and Diseases Team, Institut de Génétique et Biologie Moléculaire et Cellulaire
Classification: Pathogenic for GFPT1-related myopathy with protein aggregates and rimmed vacuoles. Last evaluated: 2024-03-01. Review status: criteria provided, single submitter. Criteria: ACMG Guidelines, 2015. Collection method: research. Allele origin: germline. Affected: yes. Observed: 2 variant alleles.
Comment: PVS1+PS3+PM2+PP3+PP4+PP5

Labcorp Genetics (formerly Invitae), Labcorp
Classification: Uncertain significance for Congenital myasthenic syndrome 12. Last evaluated: 2023-04-04. Review status: criteria provided, single submitter. Criteria: Invitae Variant Classification Sherloc (09022015). Collection method: clinical testing. Allele origin: germline.
Comment: This variant is not present in population databases (gnomAD no frequency). This sequence change replaces phenylalanine, which is neutral and non-polar, with leucine, which is neutral and non-polar, at codon 437 of the GFPT1 protein (p.Phe437Leu). This variant has not been reported in the literature in individuals affected with GFPT1-related conditions. In summary, the available evidence is currently insufficient to determine the role of this variant in disease. Therefore, it has been classified as a Variant of Uncertain Significance. Advanced modeling of protein sequence and biophysical properties (such as structural, functional, and spatial information, amino acid conservation, physicochemical variation, residue mobility, and thermodynamic stability) performed at Invitae indicates that this missense variant is not expected to disrupt GFPT1 protein function. ClinVar contains an entry for this variant (Variation ID: 986215).

Ambry Genetics
Classification: Uncertain significance for Inborn genetic diseases. Last evaluated: 2020-09-09. Review status: criteria provided, single submitter. Criteria: Ambry Variant Classification Scheme 2023. Collection method: clinical testing. Allele origin: germline.
Comment: The alteration results in an amino acid change:_x000D_ _x000D_ The c.1255T>C (p.F419L) alteration is located in coding exon 13 of the GFPT1 gene. This alteration results from a T to C substitution at nucleotide position 1255, causing the phenylalanine (F) at amino acid position 419 to be replaced by a leucine (L). The alteration is not observed in population databases:_x000D_ _x000D_ Based on data from the Genome Aggregation Database (gnomAD), the GFPT1 c.1255T>C alteration was not observed, with coverage at this position. The altered amino acid is conserved throughout evolution:_x000D_ _x000D_ The p.F419 amino acid is conserved in available vertebrate species. The alteration is predicted inconclusive by in silico modeling:_x000D_ _x000D_ The in silico prediction for the p.F419L alteration is inconclusive. Based on insufficient or conflicting evidence, the clinical significance of this alteration remains unclear.

Literature cited by the submitters: DOI 10.1186/s13073-024-01353-0 (cited by Muscle and Diseases Team, Institut de Génétique et Biologie Moléculaire et Cellulaire).

NM_001244710.2(GFPT1):c.1309T>C (p.Phe437Leu)

Gene: GFPT1 (glutamine--fructose-6-phosphate transaminase 1; minus strand). Cytogenetic location: 2p13.3.
Variant type: single nucleotide variant.
Coding change: c.1309T>C on transcript NM_001244710.2 (MANE Select); coding-DNA position 1309, T replaced by C.
Protein change: p.Phe437Leu; replaces phenylalanine 437 with leucine.
Molecular consequence: missense variant.
Genome position (GRCh38, 1-based): chr2:69,338,460, A>G on the plus strand (T>C on the coding strand, the complement: GFPT1 is on the minus strand). VCF-style: chr2-69338460-A-G. GRCh37 (hg19) VCF-style: chr2-69565592-A-G.
Other names: c.1255T>C, p.Phe419Leu (NM_002056.4); short protein forms F419L, F437L.
Identifiers: ClinVar variation 986215 (VCV000986215.16), dbSNP rs766450555, ClinGen allele CA49510308.